The following is an entry in ClinVar:

ClinVar aggregate classification (germline): Uncertain significance (1 of 4 stars; one submission).

Conditions:
Xanthinuria type II. Also called: Xanthine dehydrogenase and aldehyde oxidase combined deficiency of; XDH and AOX dual deficiency. Identifiers: Orphanet 3467, Orphanet 93602, MedGen C1863688, MONDO:0011346, OMIM 603592.

Allele frequency attached by ClinVar (database versions not stated): gnomAD 0.00001; TOPMed 0.00003; ESP Exome Variant Server 0.00008.
gnomAD v4.1: 12 of 1,614,026 alleles (0.00074%); highest among the groups gnomAD compares: Non-Finnish European, 0.00093%; no homozygotes.

Submission:

Labcorp Genetics (formerly Invitae), Labcorp
Classification: Uncertain significance for Xanthinuria type II. Last evaluated: 2021-11-05. Review status: criteria provided, single submitter. Criteria: Invitae Variant Classification Sherloc (09022015). Collection method: clinical testing. Allele origin: germline.
Comment: This sequence change replaces lysine, which is basic and polar, with arginine, which is basic and polar, at codon 33 of the XDH protein (p.Lys33Arg). This variant is present in population databases (rs146551089, gnomAD 0.0009%). This variant has not been reported in the literature in individuals affected with XDH-related conditions. Algorithms developed to predict the effect of missense changes on protein structure and function output the following: SIFT: "Tolerated"; PolyPhen-2: "Benign"; Align-GVGD: "Class C0". The arginine amino acid residue is found in multiple mammalian species, which suggests that this missense change does not adversely affect protein function. In summary, the available evidence is currently insufficient to determine the role of this variant in disease. Therefore, it has been classified as a Variant of Uncertain Significance.

NM_000379.4(XDH):c.98A>G (p.Lys33Arg)

Gene: XDH (xanthine dehydrogenase; minus strand). Cytogenetic location: 2p23.1.
Variant type: single nucleotide variant.
Coding change: c.98A>G on transcript NM_000379.4 (MANE Select); coding-DNA position 98, A replaced by G.
Protein change: p.Lys33Arg; replaces lysine 33 with arginine.
Molecular consequence: missense variant.
Genome position (GRCh38, 1-based): chr2:31,405,909, T>C on the plus strand (A>G on the coding strand, the complement: XDH is on the minus strand). VCF-style: chr2-31405909-T-C. GRCh37 (hg19) VCF-style: chr2-31628775-T-C.
Other names: short protein forms K33R.
Identifiers: ClinVar variation 1420087 (VCV001420087.3), dbSNP rs146551089, ClinGen allele CA1599788.